The following is an entry in ClinVar:

ClinVar aggregate classification (germline): Likely benign (1 of 4 stars; one submission).

Allele frequency attached by ClinVar (database versions not stated): gnomAD 0.00001 and 0.00003; TOPMed 0.00002 and 0.00001.
gnomAD v4.1: 2 of 1,600,726 alleles (0.00012%); highest among the groups gnomAD compares: Non-Finnish European, 0.00017%; no homozygotes.

Submission:

GeneDx
Classification: Likely benign. Last evaluated: 2017-07-12. Review status: criteria provided, single submitter. Criteria: GeneDx Variant Classification (06012015). Collection method: clinical testing. Allele origin: germline. Affected: yes.
Comment: This variant is considered likely benign or benign based on one or more of the following criteria: it is a conservative change, it occurs at a poorly conserved position in the protein, it is predicted to be benign by multiple in silico algorithms, and/or has population frequency not consistent with disease.

NM_001127222.2(CACNA1A):c.3823-15T>A

Gene: CACNA1A (calcium voltage-gated channel subunit alpha1 A; minus strand). Cytogenetic location: 19p13.13.
Variant type: single nucleotide variant.
Coding change: c.3823-15T>A on transcript NM_001127222.2 (MANE Select); 15 bases into the intron before coding-DNA position 3823, T replaced by A.
Molecular consequence: intron variant.
Genome position (GRCh38, 1-based): chr19:13,277,143, A>T on the plus strand (T>A on the coding strand, the complement: CACNA1A is on the minus strand). VCF-style: chr19-13277143-A-T. GRCh37 (hg19) VCF-style: chr19-13387957-A-T.
Other names: c.3826-15T>A (NM_001127221.2, NM_001174080.2); c.3835-15T>A (NM_000068.4, NM_023035.3).
Identifiers: ClinVar variation 510816 (VCV000510816.1), dbSNP rs1389346234, ClinGen allele CA631865870.